The following is an entry in ClinVar:

ClinVar aggregate classification (germline): Uncertain significance (1 of 4 stars; one submission).

Conditions:
Neuronal ceroid lipofuscinosis. Also called: Neuronal Ceroid Lipofuscinoses. Identifiers: Orphanet 216, Orphanet 79263, MedGen C0027877, MONDO:0016295. Disease mechanism: loss of function.

Submission:

Labcorp Genetics (formerly Invitae), Labcorp
Classification: Uncertain significance for Neuronal ceroid lipofuscinosis. Last evaluated: 2021-09-23. Review status: criteria provided, single submitter. Criteria: Invitae Variant Classification Sherloc (09022015). Collection method: clinical testing. Allele origin: germline.
Comment: This variant has not been reported in the literature in individuals affected with CTSD-related conditions. In summary, the available evidence is currently insufficient to determine the role of this variant in disease. Therefore, it has been classified as a Variant of Uncertain Significance. This variant disrupts a region of the CTSD protein in which other variant(s) (p.Arg399His) have been observed in individuals with CTSD-related conditions (PMID: 25298308). This suggests that this is a clinically significant region of the protein, and that variants that disrupt it are likely to be disease-causing. This variant is not present in population databases (ExAC no frequency). This sequence change creates a premature translational stop signal (p.Trp383Aspfs*15) in the CTSD gene. While this is not anticipated to result in nonsense mediated decay, it is expected to disrupt the last 30 amino acid(s) of the CTSD protein.

Literature cited by the submitters: PubMed 25298308.

NM_001909.5(CTSD):c.1146_1147del (p.Trp383fs)

Gene: CTSD (cathepsin D; minus strand). Cytogenetic location: 11p15.5.
Variant type: Microsatellite.
Coding change: c.1146_1147del on transcript NM_001909.5 (MANE Select); coding-DNA positions 1146 to 1147, 2 bases deleted (CT; older notation c.1146_1147delCT).
Protein change: p.Trp383fs; shifts the reading frame from tryptophan 383.
Molecular consequence: frameshift variant.
Genome position (GRCh38, 1-based): chr11:1,753,595-1,753,596, AG deleted on the plus strand (CT on the coding strand, the reverse complement: CTSD is on the minus strand); deleting any 2 consecutive bases within chr11:1,753,595-1,753,598 gives the same sequence; the c. name uses the placement nearest the transcript's 3' end. VCF-style (leftmost placement, unchanged base first): chr11-1753594-CAG-C. GRCh37 (hg19) VCF-style: chr11-1774824-CAG-C.
Other names: short protein forms W383fs.
Identifiers: ClinVar variation 1510886 (VCV001510886.6), dbSNP rs2133657191, ClinGen allele CA2580616896.